The following is an entry in ClinVar:

ClinVar aggregate classification (germline): Benign/Likely benign. Review status: criteria provided, multiple submitters, no conflicts (2 of 4 stars). 7 submissions from 7 submitters: Benign (3); Likely benign (4). Last evaluated 2026-07-01.

Conditions:
GARS1-related disorder. Also called: GARS1-related condition.
Charcot-Marie-Tooth disease type 2. Also called: Charcot-Marie-Tooth type 2. Identifiers: Orphanet 64746, MedGen C0270914, MONDO:0018993.

Allele frequency attached by ClinVar (database versions not stated): 1000 Genomes Project 0.00020; gnomAD 0.00021 and 0.00023; gnomAD exomes 0.00022 and 0.00123; 1000 Genomes Project 30x 0.00031; TOPMed 0.00065; ExAC 0.00121.
gnomAD v4.1: 343 of 1,595,148 alleles (0.022%); highest among the groups gnomAD compares: Admixed American, 0.56%; 2 homozygotes.

Submissions (7):

CeGaT Center for Human Genetics Tuebingen
Classification: Likely benign. Last evaluated: 2026-07-01. Review status: criteria provided, single submitter. Criteria: CeGaT Center For Human Genetics Tuebingen Variant Classification Criteria Version 2. Collection method: clinical testing. Allele origin: germline. Affected: yes. Observed: 4 variant alleles.
Comment: GARS1: BP4, BP7, BS1

PreventionGenetics, part of Exact Sciences
Classification: Benign for GARS1-related condition. Last evaluated: 2026-05-12. Review status: criteria provided, single submitter. Criteria: ACMG Guidelines, 2015. Collection method: clinical testing. Allele origin: germline.
Comment: This variant is classified as benign based on ACMG/AMP sequence variant interpretation guidelines (Richards et al. 2015 PMID: 25741868, with internal and published modifications).

Labcorp Genetics (formerly Invitae), Labcorp
Classification: Benign for Charcot-Marie-Tooth disease type 2. Last evaluated: 2026-01-14. Review status: criteria provided, single submitter. Criteria: Invitae Variant Classification Sherloc (09022015). Collection method: clinical testing. Allele origin: germline.

GeneDx
Classification: Likely benign. Last evaluated: 2019-07-12. Review status: criteria provided, single submitter. Criteria: GeneDx Variant Classification Process June 2021. Collection method: clinical testing. Allele origin: germline. Affected: yes.

Ambry Genetics
Classification: Likely benign. Last evaluated: 2019-07-11. Review status: criteria provided, single submitter. Criteria: Ambry Variant Classification Scheme 2023. Collection method: clinical testing. Allele origin: germline.

Athena Diagnostics
Classification: Benign. Last evaluated: 2017-02-15. Review status: criteria provided, single submitter. Criteria: Athena Diagnostics Criteria. Collection method: clinical testing. Allele origin: germline.

Breakthrough Genomics
Classification: Likely benign. Review status: criteria provided, single submitter. Criteria: ACMG Guidelines, 2015. Collection method: not provided. Allele origin: germline. Inheritance: Autosomal dominant inheritance. Affected: yes.

NM_002047.4(GARS1):c.51G>A (p.Leu17=)

Gene: GARS1 (glycyl-tRNA synthetase 1; plus strand). Cytogenetic location: 7p14.3.
Variant type: single nucleotide variant.
Coding change: c.51G>A on transcript NM_002047.4 (MANE Select); coding-DNA position 51, G replaced by A.
Protein change: p.Leu17=; no amino-acid change (leucine 17 retained).
Molecular consequence: synonymous variant. On other transcripts: 5 prime UTR variant (1).
Genome position (GRCh38, 1-based): chr7:30,594,972, G>A. VCF-style: chr7-30594972-G-A. GRCh37 (hg19) VCF-style: chr7-30634588-G-A.
Other names: c.51G>A (NM_002047.3, LRG_243t1); c.-112G>A (NM_001316772.1).
Identifiers: ClinVar variation 416090 (VCV000416090.22), dbSNP rs202117737, ClinGen allele CA4205578.